The following is an entry in ClinVar:

NM_152564.5(VPS13B):c.8357T>C (p.Ile2786Thr)

Gene: VPS13B (vacuolar protein sorting 13 homolog B; plus strand). Cytogenetic location: 8q22.2.
Variant type: single nucleotide variant.
Coding change: c.8357T>C on transcript NM_152564.5 (MANE Select); coding-DNA position 8357, T replaced by C.
Protein change: p.Ile2786Thr; replaces isoleucine 2786 with threonine.
Molecular consequence: missense variant.
Genome position (GRCh38, 1-based): chr8:99,817,799, T>C. VCF-style: chr8-99817799-T-C. GRCh37 (hg19) VCF-style: chr8-100830027-T-C.
Other names: c.8432T>C, p.Ile2811Thr (NM_017890.5); short protein forms I2811T, I2786T.
Identifiers: ClinVar variation 3673027 (VCV003673027.2).
Genomic context (GRCh38, chr8:99,817,799, plus strand): 5'-ATGAAGACTGGTCAAGAGATGTGTGCCTGGAATCCAAAGCCCCTGAGTACAGCATTGTCA[T>C]TCAGGTTTGAAAAGACGTTCAATCTAGAATAGAGCAGCTTTACCATTGAAATTTTCTCAA-3'
Protein context (NP_689777.3, residues 2776-2796): ESKAPEYSIV[Ile2786Thr]QVPSSNSSII

ClinVar aggregate classification (germline): Uncertain significance (1 of 4 stars; one submission).

Conditions:
Cohen syndrome (COH1). Also called: PEPPER SYNDROME; Cutis verticis gyrata, retinitis pigmentosa, and sensorineural deafness. Identifiers: Orphanet 193, MedGen C0265223, MONDO:0008999, OMIM 216550.

gnomAD v4.1: 1 of 1,614,070 alleles (0.000062%); highest among the groups gnomAD compares: Non-Finnish European, 0.000085%; no homozygotes.

Submission:

Labcorp Genetics (formerly Invitae), Labcorp
Classification: Uncertain significance for Cohen syndrome. Last evaluated: 2024-09-15. Review status: criteria provided, single submitter. Criteria: Invitae Variant Classification Sherloc (09022015). Collection method: clinical testing. Allele origin: germline.
Comment: This sequence change replaces isoleucine, which is neutral and non-polar, with threonine, which is neutral and polar, at codon 2811 of the VPS13B protein (p.Ile2811Thr). This variant is not present in population databases (gnomAD no frequency). This variant has not been reported in the literature in individuals affected with VPS13B-related conditions. Invitae Evidence Modeling of protein sequence and biophysical properties (such as structural, functional, and spatial information, amino acid conservation, physicochemical variation, residue mobility, and thermodynamic stability) has been performed for this missense variant. However, the output from this modeling did not meet the statistical confidence thresholds required to predict the impact of this variant on VPS13B protein function. In summary, the available evidence is currently insufficient to determine the role of this variant in disease. Therefore, it has been classified as a Variant of Uncertain Significance.